The following is an entry in ClinVar:

ClinVar aggregate classification (germline): Conflicting classifications of pathogenicity. Review status: criteria provided, conflicting classifications (1 of 4 stars). 6 submissions from 6 submitters: Uncertain significance (5); Likely benign (1). Last evaluated 2025-11-13.

Conditions:
Inborn genetic diseases. Identifiers: MedGen C0950123, MeSH D030342.
Microcephaly 5, primary, autosomal recessive (MCPH5). Also called: ASPM Primary Microcephaly. Identifiers: Orphanet 2512, MedGen C1837501, MONDO:0012106, OMIM 608716.

Allele frequency attached by ClinVar (database versions not stated): ExAC 0.00006; gnomAD exomes 0.00007 and 0.00010; gnomAD 0.00027 and 0.00030; ESP Exome Variant Server 0.00031; TOPMed 0.00043.
gnomAD v4.1: 155 of 1,613,812 alleles (0.0096%); highest among the groups gnomAD compares: African/African-American, 0.088%; no homozygotes.

Submissions (6):

Ambry Genetics
Classification: Likely benign for Inborn genetic diseases. Last evaluated: 2025-11-13. Review status: criteria provided, single submitter. Criteria: Ambry Variant Classification Scheme 2023. Collection method: clinical testing. Allele origin: germline.

Labcorp Genetics (formerly Invitae), Labcorp
Classification: Uncertain significance. Last evaluated: 2025-02-03. Review status: criteria provided, single submitter. Criteria: Invitae Variant Classification Sherloc (09022015). Collection method: clinical testing. Allele origin: germline.
Comment: This sequence change replaces serine, which is neutral and polar, with leucine, which is neutral and non-polar, at codon 435 of the ASPM protein (p.Ser435Leu). This variant is present in population databases (rs150684410, gnomAD 0.09%). This variant has not been reported in the literature in individuals affected with ASPM-related conditions. ClinVar contains an entry for this variant (Variation ID: 196486). Invitae Evidence Modeling of protein sequence and biophysical properties (such as structural, functional, and spatial information, amino acid conservation, physicochemical variation, residue mobility, and thermodynamic stability) indicates that this missense variant is not expected to disrupt ASPM protein function with a negative predictive value of 80%. In summary, the available evidence is currently insufficient to determine the role of this variant in disease. Therefore, it has been classified as a Variant of Uncertain Significance.

Genome-Nilou Lab
Classification: Uncertain significance for Microcephaly 5, primary, autosomal recessive. Last evaluated: 2023-04-11. Review status: criteria provided, single submitter. Criteria: ACMG Guidelines, 2015. Collection method: clinical testing. Allele origin: germline. Affected: no.

New York Genome Center
Classification: Uncertain significance for Microcephaly 5, primary, autosomal recessive. Last evaluated: 2021-05-28. Review status: criteria provided, single submitter. Criteria: NYGC Assertion Criteria 2020. Collection method: clinical testing. Allele origin: germline. Observed: 1 heterozygote. Study: CSER-NYCKidSeq.

GeneDx
Classification: Uncertain significance. Last evaluated: 2016-07-08. Review status: criteria provided, single submitter. Criteria: GeneDx Variant Classification (06012015). Collection method: clinical testing. Allele origin: germline. Affected: yes.
Comment: A variant of uncertain significance has been identified in the ASPM gene. The S435L variant has not been published as a pathogenic variant, nor has it been reported as a benign variant to our knowledge. The S435L variant was not observed with any significant frequency in approximately 6,500 individuals of European and African American ancestry in the NHLBI Exome Sequencing Project. The S435L variant is a non-conservative amino acid substitution, which is likely to impact secondary protein structure as these residues differ in polarity, charge, size and/or other properties. However, this substitution occurs at a position that is not conserved and in silico analysis predicts this variant likely does not alter the protein structure/function. Therefore, based on the currently available information, it is unclear whether this variant is a pathogenic variant or a rare benign variant.

Eurofins Ntd Llc (ga)
Classification: Uncertain significance. Last evaluated: 2014-06-25. Review status: criteria provided, single submitter. Criteria: EGL Classification Definitions 2015. Collection method: clinical testing. Allele origin: germline. Observed: 1 variant allele, 1 heterozygote.

NM_018136.5(ASPM):c.1304C>T (p.Ser435Leu)

Gene: ASPM (assembly factor for spindle microtubules; minus strand). Cytogenetic location: 1q31.3.
Variant type: single nucleotide variant.
Coding change: c.1304C>T on transcript NM_018136.5 (MANE Select); coding-DNA position 1304, C replaced by T.
Protein change: p.Ser435Leu; replaces serine 435 with leucine.
Molecular consequence: missense variant.
Genome position (GRCh38, 1-based): chr1:197,142,948, G>A on the plus strand (C>T on the coding strand, the complement: ASPM is on the minus strand). VCF-style: chr1-197142948-G-A. GRCh37 (hg19) VCF-style: chr1-197112078-G-A.
Other names: c.1304C>T, p.Ser435Leu (NM_001206846.2); short protein forms S435L.
Identifiers: ClinVar variation 196486 (VCV000196486.12), dbSNP rs150684410, ClinGen allele CA243450.